The following is an entry in ClinVar:

NM_000245.4(MET):c.2428A>G (p.Asn810Asp)

Gene: MET (MET proto-oncogene, receptor tyrosine kinase; plus strand). Cytogenetic location: 7q31.2.
Variant type: single nucleotide variant.
Coding change: c.2428A>G on transcript NM_000245.4 (MANE Select); coding-DNA position 2428, A replaced by G.
Protein change: p.Asn810Asp; replaces asparagine 810 with aspartic acid.
Molecular consequence: missense variant.
Genome position (GRCh38, 1-based): chr7:116,763,113, A>G. VCF-style: chr7-116763113-A-G. GRCh37 (hg19) VCF-style: chr7-116403167-A-G.
Other names: c.2482A>G, p.Asn828Asp (NM_001127500.3); c.2428A>G, p.Asn810Asp (NM_001324401.3); c.1138A>G, p.Asn380Asp (NM_001324402.2); short protein forms N380D, N810D, N828D.
Identifiers: ClinVar variation 2821559 (VCV002821559.3), dbSNP rs2116954869, ClinGen allele CA368983139.

ClinVar aggregate classification (germline): Uncertain significance (1 of 4 stars; one submission).

Conditions:
Renal cell carcinoma. Identifiers: Orphanet 217071, MedGen C0007134, MeSH D002292, MONDO:0005086, HP:0005584.

Submission:

Labcorp Genetics (formerly Invitae), Labcorp
Classification: Uncertain significance for Renal cell carcinoma. Last evaluated: 2022-12-16. Review status: criteria provided, single submitter. Criteria: Invitae Variant Classification Sherloc (09022015). Collection method: clinical testing. Allele origin: germline.
Comment: In summary, the available evidence is currently insufficient to determine the role of this variant in disease. Therefore, it has been classified as a Variant of Uncertain Significance. Advanced modeling of protein sequence and biophysical properties (such as structural, functional, and spatial information, amino acid conservation, physicochemical variation, residue mobility, and thermodynamic stability) performed at Invitae indicates that this missense variant is not expected to disrupt MET protein function. This variant has not been reported in the literature in individuals affected with MET-related conditions. This variant is not present in population databases (gnomAD no frequency). This sequence change replaces asparagine, which is neutral and polar, with aspartic acid, which is acidic and polar, at codon 828 of the MET protein (p.Asn828Asp).